The following is an entry in ClinVar:

NM_001330260.2(SCN8A):c.2447G>A (p.Gly816Asp)

Gene: SCN8A (sodium voltage-gated channel alpha subunit 8; plus strand). Cytogenetic location: 12q13.13.
Variant type: single nucleotide variant.
Coding change: c.2447G>A on transcript NM_001330260.2 (MANE Select); coding-DNA position 2447, G replaced by A.
Protein change: p.Gly816Asp; replaces glycine 816 with aspartic acid.
Molecular consequence: missense variant.
Genome position (GRCh38, 1-based): chr12:51,762,579, G>A. VCF-style: chr12-51762579-G-A. GRCh37 (hg19) VCF-style: chr12-52156363-G-A.
Other names: c.2447G>A, p.Gly816Asp (NM_001177984.3, NM_001369788.1, NM_014191.4); short protein forms G816D.
Identifiers: ClinVar variation 1317868 (VCV001317868.2), dbSNP rs2138857757, ClinGen allele CA384883820.

ClinVar aggregate classification (germline): Uncertain significance (1 of 4 stars; one submission).

Submission:

GeneDx
Classification: Uncertain significance. Last evaluated: 2020-10-13. Review status: criteria provided, single submitter. Criteria: GeneDx Variant Classification Process June 2021. Collection method: clinical testing. Allele origin: germline. Affected: yes.
Comment: Not observed in large population cohorts (Lek et al., 2016); Missense variants in this gene are often considered pathogenic (Stenson et al., 2014); In silico analysis supports that this missense variant has a deleterious effect on protein structure/function; Has not been previously published as pathogenic or benign to our knowledge; This substitution is predicted to be within the intracellular loop between the S2 and S3 transmembrane segments of the second homologous domain